The following is an entry in ClinVar:

NM_004006.3(DMD):c.3432+2484T>C

Gene: DMD (dystrophin; minus strand). Cytogenetic location: Xp21.1.
Variant type: single nucleotide variant.
Coding change: c.3432+2484T>C on transcript NM_004006.3 (MANE Select); 2484 bases into the intron after coding-DNA position 3432, T replaced by C.
Molecular consequence: intron variant.
Genome position (GRCh38, 1-based): chrX:32,460,955, A>G on the plus strand (T>C on the coding strand, the complement: DMD is on the minus strand). VCF-style: chrX-32460955-A-G. GRCh37 (hg19) VCF-style: chrX-32479072-A-G.
Other names: c.3408+2484T>C (NM_000109.4); c.3420+2484T>C (NM_004009.3); c.3063+2484T>C (NM_004010.3).
Identifiers: ClinVar variation 678523 (VCV000678523.1), dbSNP rs7891418, ClinGen allele CA328000283.

ClinVar aggregate classification (germline): Benign (1 of 4 stars; one submission).

Allele frequency attached by ClinVar (database versions not stated): gnomAD 0.08336 and 0.08744; TOPMed 0.09493; 1000 Genomes Project 0.09960; 1000 Genomes Project 30x 0.10323.
gnomAD v4.1: 9,226 of 111,481 alleles (8.3%); highest among the groups gnomAD compares: African/African-American, 27%; 905 homozygotes.

Submission:

GeneDx
Classification: Benign. Last evaluated: 2018-06-14. Review status: criteria provided, single submitter. Criteria: GeneDx Variant Classification (06012015). Collection method: clinical testing. Allele origin: germline. Affected: yes.
Comment: This variant is considered likely benign or benign based on one or more of the following criteria: it is a conservative change, it occurs at a poorly conserved position in the protein, it is predicted to be benign by multiple in silico algorithms, and/or has population frequency not consistent with disease.